The following is an entry in ClinVar:

ClinVar aggregate classification (germline): Likely pathogenic (1 of 4 stars; one submission).

Conditions:
Familial adenomatous polyposis 2. Also called: ADENOMAS, MULTIPLE COLORECTAL, AUTOSOMAL RECESSIVE; MUTYH-associated polyposis; COLORECTAL ADENOMATOUS POLYPOSIS, AUTOSOMAL RECESSIVE; MUTYH Polyposis; MYH-associated polyposis; Adenomas, multiple colorectal. Identifiers: Orphanet 220460, Orphanet 247798, MedGen C3272841, MONDO:0012041, OMIM 608456.

Submission:

Myriad Genetics, Inc.
Classification: Likely pathogenic for Familial adenomatous polyposis 2. Last evaluated: 2023-06-09. Review status: criteria provided, single submitter. Criteria: Myriad Autosomal Dominant, Autosomal Recessive and X-Linked Classification Criteria (2023). Collection method: clinical testing. Allele origin: unknown.
Comment: This variant is considered likely pathogenic. This variant creates a frameshift predicted to result in premature protein truncation.

NM_001048174.2(MUTYH):c.1283_1284del (p.Tyr428fs)

Gene: MUTYH (mutY DNA glycosylase; minus strand). Cytogenetic location: 1p34.1.
Variant type: Microsatellite.
Coding change: c.1283_1284del on transcript NM_001048174.2 (MANE Select); coding-DNA positions 1283 to 1284, 2 bases deleted (AT; older notation c.1283_1284delAT).
Protein change: p.Tyr428fs; shifts the reading frame from tyrosine 428.
Molecular consequence: frameshift variant. On other transcripts: non-coding transcript variant (7).
Genome position (GRCh38, 1-based): chr1:45,331,290-45,331,291, AT deleted on the plus strand (AT on the coding strand, the reverse complement: MUTYH is on the minus strand); deleting any 2 consecutive bases within chr1:45,331,290-45,331,294 gives the same sequence; the c. name uses the placement nearest the transcript's 3' end. VCF-style (leftmost placement, unchanged base first): chr1-45331289-CAT-C. GRCh37 (hg19) VCF-style: chr1-45796961-CAT-C.
Other names: c.1283_1284del, p.Tyr428fs (NM_001048171.2, NM_001048173.2, NM_001293195.2 and 6 more transcripts); c.1286_1287del, p.Tyr429fs (NM_001048172.2, NM_001407086.1, NM_001407071.1 and 1 more transcripts); c.1367_1368del, p.Tyr456fs (NM_001128425.2); c.1328_1329del, p.Tyr443fs (NM_001293190.2); c.1316_1317del, p.Tyr439fs (NM_001293191.2, NM_001407069.1, NM_001407077.1); c.1007_1008del, p.Tyr336fs (NM_001293192.2, NM_001293196.2, NM_001407091.1); c.1244_1245del, p.Tyr415fs (NM_001407079.1); c.1241_1242del, p.Tyr414fs (NM_001407080.1); and 5 more; short protein forms Y313fs, Y336fs, Y400fs, Y414fs, Y415fs, Y428fs, Y429fs, Y435fs.
Identifiers: ClinVar variation 2583841 (VCV002583841.2), dbSNP rs2523921332, ClinGen allele CA2582341917.